The following is an entry in ClinVar:

NM_000642.3(AGL):c.1832C>A (p.Pro611His)

Gene: AGL (amylo-alpha-1,6-glucosidase and 4-alpha-glucanotransferase; plus strand). Cytogenetic location: 1p21.2.
Variant type: single nucleotide variant.
Coding change: c.1832C>A on transcript NM_000642.3 (MANE Select); coding-DNA position 1832, C replaced by A.
Protein change: p.Pro611His; replaces proline 611 with histidine.
Molecular consequence: missense variant.
Genome position (GRCh38, 1-based): chr1:99,880,728, C>A. VCF-style: chr1-99880728-C-A. GRCh37 (hg19) VCF-style: chr1-100346284-C-A.
Other names: c.1832C>A (NM_000642.2); c.1832C>A, p.Pro611His (NM_000028.3, NM_000643.3, NM_000644.3 and 2 more transcripts); c.1784C>A, p.Pro595His (NM_000646.3); c.1631C>A, p.Pro544His (NM_001425327.1); c.1628C>A, p.Pro543His (NM_001425328.1, NM_001425329.1); c.1454C>A, p.Pro485His (NM_001425332.1); short protein forms P543H, P544H, P595H, P611H, P485H.
Identifiers: ClinVar variation 2912277 (VCV002912277.2), dbSNP rs748930080, ClinGen allele CA966602.

ClinVar aggregate classification (germline): Uncertain significance. Review status: criteria provided, multiple submitters, no conflicts (2 of 4 stars). 2 submissions from 2 submitters: Uncertain significance (2). Last evaluated 2024-03-18.

Conditions:
Inborn genetic diseases. Identifiers: MedGen C0950123, MeSH D030342.
Glycogen storage disease type III (GSD3). Also called: FORBES DISEASE; Cori disease. Identifiers: Orphanet 366, MedGen C0017922, MONDO:0009291, OMIM 232400.

Allele frequency attached by ClinVar (database versions not stated): ExAC 0.00001; gnomAD 0.00001; gnomAD exomes 0.00001; TOPMed 0.00001.

Submissions (2):

Ambry Genetics
Classification: Uncertain significance for Inborn genetic diseases. Last evaluated: 2024-03-18. Review status: criteria provided, single submitter. Criteria: Ambry Variant Classification Scheme 2023. Collection method: clinical testing. Allele origin: germline.

Labcorp Genetics (formerly Invitae), Labcorp
Classification: Uncertain significance for Glycogen storage disease type III. Last evaluated: 2023-12-19. Review status: criteria provided, single submitter. Criteria: Invitae Variant Classification Sherloc (09022015). Collection method: clinical testing. Allele origin: germline.
Comment: This sequence change replaces proline, which is neutral and non-polar, with histidine, which is basic and polar, at codon 611 of the AGL protein (p.Pro611His). This variant is present in population databases (rs748930080, gnomAD 0.01%). This variant has not been reported in the literature in individuals affected with AGL-related conditions. Advanced modeling of protein sequence and biophysical properties (such as structural, functional, and spatial information, amino acid conservation, physicochemical variation, residue mobility, and thermodynamic stability) performed at Invitae indicates that this missense variant is expected to disrupt AGL protein function with a positive predictive value of 80%. In summary, the available evidence is currently insufficient to determine the role of this variant in disease. Therefore, it has been classified as a Variant of Uncertain Significance.